The following is an entry in ClinVar:

NM_001258392.3(CLPB):c.725A>G (p.Tyr242Cys)

Gene: CLPB (ClpB family mitochondrial disaggregase; minus strand). Cytogenetic location: 11q13.4.
Variant type: single nucleotide variant.
Coding change: c.725A>G on transcript NM_001258392.3 (MANE Select); coding-DNA position 725, A replaced by G.
Protein change: p.Tyr242Cys; replaces tyrosine 242 with cysteine.
Molecular consequence: missense variant.
Genome position (GRCh38, 1-based): chr11:72,358,930, T>C on the plus strand (A>G on the coding strand, the complement: CLPB is on the minus strand). VCF-style: chr11-72358930-T-C. GRCh37 (hg19) VCF-style: chr11-72069974-T-C.
Other names: c.638A>G, p.Tyr213Cys (NM_001258393.3); c.680A>G, p.Tyr227Cys (NM_001258394.3); c.815A>G, p.Tyr272Cys (NM_030813.6); short protein forms Y272C, Y242C, Y227C, Y213C.
Identifiers: ClinVar variation 279606 (VCV000279606.13), dbSNP rs777313457, ClinGen allele CA6171420.

ClinVar aggregate classification (germline): Likely pathogenic. Review status: criteria provided, multiple submitters, no conflicts (2 of 4 stars). 3 submissions from 3 submitters: Likely pathogenic (2). 1 of the submissions does not count toward it. Last evaluated 2025-02-25.

Conditions:
CLPB-related disorder. Also called: CLPB-related condition.
3-methylglutaconic aciduria, type VIIB (MGCA7B). Also called: 3-methylglutaconic aciduria, type VII, with cataracts, neurologic involvement and neutropenia; CLPB Deficiency; 3-methylglutaconic aciduria with cataracts, neurologic involvement and neutropenia. Identifiers: Orphanet 445038, MedGen C5676893, MONDO:0014561, OMIM 616271.

Allele frequency attached by ClinVar (database versions not stated): gnomAD exomes below 0.00001; ExAC 0.00002.
gnomAD v4.1: 5 of 1,607,878 alleles (0.00031%); highest among the groups gnomAD compares: Non-Finnish European, 0.00025%; no homozygotes.

Submissions (3):

Labcorp Genetics (formerly Invitae), Labcorp
Classification: Likely pathogenic for 3-methylglutaconic aciduria, type VIIB. Last evaluated: 2025-02-25. Review status: criteria provided, single submitter. Criteria: Invitae Variant Classification Sherloc (09022015). Collection method: clinical testing. Allele origin: germline.
Comment: This sequence change replaces tyrosine, which is neutral and polar, with cysteine, which is neutral and slightly polar, at codon 272 of the CLPB protein (p.Tyr272Cys). This variant is present in population databases (rs777313457, gnomAD 0.004%). This missense change has been observed in individuals with clinical features of autosomal recessive 3-methylglutaconic aciduria with cataracts, neurologic involvement, and neutropenia (PMID: 25597510, 26916670). It has also been observed to segregate with disease in related individuals. ClinVar contains an entry for this variant (Variation ID: 279606). An algorithm developed to predict the effect of missense changes on protein structure and function (PolyPhen-2) suggests that this variant is likely to be disruptive. Experimental studies have shown that this missense change affects CLPB function (PMID: 37041140). In summary, the currently available evidence indicates that the variant is pathogenic, but additional data are needed to prove that conclusively. Therefore, this variant has been classified as Likely Pathogenic.

Blueprint Genetics
Classification: Likely pathogenic for CLPB-related disorders. Last evaluated: 2019-10-01. Review status: criteria provided, single submitter. Criteria: ACMG Guidelines, 2015. Collection method: clinical testing. Allele origin: germline. Affected: yes. Observed: 1 variant allele.

GeneReviews
No classification provided. Condition: 3-methylglutaconic aciduria, type VIIB. Review status: no classification provided. Collection method: literature only. Allele origin: germline. Affected: yes. Not counted in ClinVar's aggregate classification.

Literature cited by the submitters: PubMed 25597510 (cited by Labcorp Genetics (formerly Invitae), Labcorp and GeneReviews); PubMed 26916670 (cited by Labcorp Genetics (formerly Invitae), Labcorp and GeneReviews); PubMed 37041140 (cited by Labcorp Genetics (formerly Invitae), Labcorp); NCBI Bookshelf NBK396257 (cited by GeneReviews).